The following is an entry in ClinVar:

NM_022089.4(ATP13A2):c.1762G>A (p.Glu588Lys)

Gene: ATP13A2 (ATPase cation transporting 13A2; minus strand). Cytogenetic location: 1p36.13.
Variant type: single nucleotide variant.
Coding change: c.1762G>A on transcript NM_022089.4 (MANE Select); coding-DNA position 1762, G replaced by A.
Protein change: p.Glu588Lys; replaces glutamic acid 588 with lysine.
Molecular consequence: missense variant.
Genome position (GRCh38, 1-based): chr1:16,992,569, C>T on the plus strand (G>A on the coding strand, the complement: ATP13A2 is on the minus strand). VCF-style: chr1-16992569-C-T. GRCh37 (hg19) VCF-style: chr1-17319064-C-T.
Other names: c.1747G>A, p.Glu583Lys (NM_001141973.3, NM_001141974.3); short protein forms E583K, E588K.
Identifiers: ClinVar variation 1511423 (VCV001511423.3), dbSNP rs1251315572, ClinGen allele CA338247205.
Genomic context (GRCh38, chr1:16,992,569, plus strand): 5'-AAAGTGGGGGTCTCATCACTGCCAAGACCTGGGTCCCAAATGCTGAGTCTGCAGCCGGCT[C>T]TTCCTCCAGGACCTGGCAGGCAGGCAGGGAAGTTTGGTGTCTGGGGGCTTTGGCTCACAG-3'
Protein context (NP_071372.1, residues 578-598): VESTGWVLEE[Glu588Lys]PAADSAFGTQ

ClinVar aggregate classification (germline): Uncertain significance (1 of 4 stars; one submission).

Conditions:
Autosomal recessive spastic paraplegia type 78. Identifiers: Orphanet 513436, MedGen C5567893, MONDO:0014975, OMIM 617225.
Kufor-Rakeb syndrome (KRS). Also called: PARKINSON DISEASE 9, AUTOSOMAL RECESSIVE, JUVENILE-ONSET. Identifiers: Orphanet 306674, Orphanet 314632, MedGen C1847640, MONDO:0011706, OMIM 606693.

Allele frequency attached by ClinVar (database versions not stated): gnomAD exomes below 0.00001; gnomAD 0.00001.
gnomAD v4.1: 7 of 1,614,228 alleles (0.00043%); highest among the groups gnomAD compares: East Asian, 0.0022%; no homozygotes.

Submission:

Labcorp Genetics (formerly Invitae), Labcorp
Classification: Uncertain significance for Kufor-Rakeb syndrome; Autosomal recessive spastic paraplegia type 78. Last evaluated: 2021-08-16. Review status: criteria provided, single submitter. Criteria: Invitae Variant Classification Sherloc (09022015). Collection method: clinical testing. Allele origin: germline.
Comment: This sequence change replaces glutamic acid with lysine at codon 588 of the ATP13A2 protein (p.Glu588Lys). The glutamic acid residue is weakly conserved and there is a small physicochemical difference between glutamic acid and lysine. This variant is not present in population databases (ExAC no frequency). This variant has not been reported in the literature in individuals affected with ATP13A2-related conditions. Advanced modeling of protein sequence and biophysical properties (such as structural, functional, and spatial information, amino acid conservation, physicochemical variation, residue mobility, and thermodynamic stability) performed at Invitae indicates that this missense variant is not expected to disrupt ATP13A2 protein function. In summary, the available evidence is currently insufficient to determine the role of this variant in disease. Therefore, it has been classified as a Variant of Uncertain Significance.